The following is an entry in ClinVar:

NM_001943.5(DSG2):c.704A>G (p.Tyr235Cys)

Gene: DSG2 (desmoglein 2; plus strand). Cytogenetic location: 18q12.1.
Variant type: single nucleotide variant.
Coding change: c.704A>G on transcript NM_001943.5 (MANE Select); coding-DNA position 704, A replaced by G.
Protein change: p.Tyr235Cys; replaces tyrosine 235 with cysteine.
Molecular consequence: missense variant.
Genome position (GRCh38, 1-based): chr18:31,524,461, A>G. VCF-style: chr18-31524461-A-G. GRCh37 (hg19) VCF-style: chr18-29104424-A-G.
Other names: c.704A>G (LRG_397t1); short protein forms Y235C.
Identifiers: ClinVar variation 191627 (VCV000191627.1), dbSNP rs786205362, ClinGen allele CA022233.

ClinVar aggregate classification (germline): Uncertain significance (1 of 4 stars; one submission).

Allele frequency attached by ClinVar (database versions not stated): gnomAD exomes below 0.00001.
gnomAD v4.1: 1 of 1,614,186 alleles (0.000062%); highest among the groups gnomAD compares: Non-Finnish European, 0.000085%; no homozygotes.

Submission:

Biesecker Lab/Clinical Genomics Section, National Institutes of Health
Classification: Uncertain significance. Last evaluated: 2013-06-24. Review status: criteria provided, single submitter. Criteria: Ng et al. (Circ Cardiovasc Genet. 2013). Collection method: research. Allele origin: unknown. Observed: 1 variant allele. Study: ClinSeq.
Comment: The study set was not selected for affection status in relation to any cancer. Pathogenicity categories were based on literature curation. See Pubmed ID:23861362 for details.

Medical sequencing